The following is an entry in ClinVar:

ClinVar aggregate classification (germline): Likely pathogenic. Review status: criteria provided, single submitter (1 of 4 stars). 2 submissions from 1 submitter: Likely pathogenic (2). Last evaluated 2026-03-27.

Conditions:
THOC6-related developmental delay-microcephaly-facial dysmorphism syndrome. Also called: Microcephaly, mental retardation, and distinctive facies, with cardiac and genitourinary malformations; Beaulieu-Boycott-Innes syndrome; THOC6 Intellectual Disability Syndrome. Identifiers: Orphanet 363444, MedGen C3150939, MONDO:0013362, OMIM 613680.
Pituitary hormone deficiency, combined or isolated, 8 (CPHD8). Identifiers: MedGen C5830375, MONDO:0957208, OMIM 620303.

Submissions (2):

Center for Human Genetics and Genomic Medicine, Uniklinik Rwth Aachen
Classification: Likely pathogenic for THOC6-related developmental delay-microcephaly-facial dysmorphism syndrome. Last evaluated: 2026-03-27. Review status: criteria provided, single submitter. Criteria: ACMG Guidelines, 2015. Collection method: clinical testing. Allele origin: maternal. Affected: yes.

Center for Human Genetics and Genomic Medicine, Uniklinik Rwth Aachen
Classification: Likely pathogenic for Pituitary hormone deficiency, combined or isolated, 8. Last evaluated: 2025-10-17. Review status: criteria provided, single submitter. Criteria: ACMG Guidelines, 2015. Collection method: clinical testing. Allele origin: maternal. Inheritance: Autosomal dominant inheritance. Affected: yes. Observed: 1 variant allele, 1 heterozygote.
Comment: To date, this variant has not been reported in the literature or in the ClinVar database. In the general population (gnomAD v4.1.0), it has not yet been detected (PM2_sup). The variant represents a frameshift mutation followed by a stop codon. This typically leads either to premature termination of translation or to “nonsense-mediated mRNA decay.” In both cases, this results in a loss of protein function (“loss-of-function”). For the ROBO1 gene, intolerance to haploinsufficiency has been described as a pathomechanism (Bashamboo et al., 2017) (PVS1).

Literature cited by the submitters: PubMed 28402530.

NM_002941.4(ROBO1):c.353_354del (p.His118fs)

Gene: ROBO1 (roundabout guidance receptor 1; minus strand). Cytogenetic location: 3p12.3.
Variant type: Microsatellite.
Coding change: c.353_354del on transcript NM_002941.4 (MANE Select); coding-DNA positions 353 to 354, 2 bases deleted (AC; older notation c.353_354delAC).
Protein change: p.His118fs; shifts the reading frame from histidine 118.
Molecular consequence: frameshift variant.
Genome position (GRCh38, 1-based): chr3:78,938,746-78,938,747, GT deleted on the plus strand (AC on the coding strand, the reverse complement: ROBO1 is on the minus strand); deleting any 2 consecutive bases within chr3:78,938,746-78,938,750 gives the same sequence; the c. name uses the placement nearest the transcript's 3' end. VCF-style (leftmost placement, unchanged base first): chr3-78938745-GGT-G. GRCh37 (hg19) VCF-style: chr3-78987895-GGT-G.
Other names: c.236_237del, p.His79fs (NM_001145845.2, NM_133631.4); short protein forms H118fs, H79fs.
Identifiers: ClinVar variation 4849509 (VCV004849509.2).